The following is an entry in ClinVar:

NM_000282.4(PCCA):c.1291G>A (p.Val431Met)

Gene: PCCA (propionyl-CoA carboxylase subunit alpha; plus strand). Cytogenetic location: 13q32.3.
Variant type: single nucleotide variant.
Coding change: c.1291G>A on transcript NM_000282.4 (MANE Select); coding-DNA position 1291, G replaced by A.
Protein change: p.Val431Met; replaces valine 431 with methionine.
Molecular consequence: missense variant. On other transcripts: non-coding transcript variant (5).
Genome position (GRCh38, 1-based): chr13:100,307,198, G>A. VCF-style: chr13-100307198-G-A. GRCh37 (hg19) VCF-style: chr13-100959452-G-A.
Other names: c.1213G>A, p.Val405Met (NM_001127692.3, NM_001352607.2); c.1291G>A, p.Val431Met (NM_001178004.2, NM_001352605.2, NM_001352609.2); c.1147G>A, p.Val383Met (NM_001352606.2); c.1069G>A, p.Val357Met (NM_001352608.2); c.346G>A, p.Val116Met (NM_001352610.2, NM_001352611.2); c.202G>A, p.Val68Met (NM_001352612.2); short protein forms V68M, V405M, V431M, V383M, V116M, V357M.
Identifiers: ClinVar variation 1413138 (VCV001413138.3), dbSNP rs1464775522, ClinGen allele CA388695590.
Genomic context (GRCh38, chr13:100,307,198, plus strand): 5'-AAAAAATATCTACACAATATGAATTACTTTTCTTTTTTTCTTTTTTTCTCCCAGGTCCGA[G>A]TGGACAGTGGCATCCAACCAGGAAGTGATATTAGCATTTATTATGATCCTATGATTTCAA-3'
Protein context (NP_000273.2, residues 421-441): QEPLHLPGVR[Val431Met]DSGIQPGSDI

ClinVar aggregate classification (germline): Uncertain significance (1 of 4 stars; one submission).

Conditions:
Propionic acidemia (PROP). Also called: KETOTIC HYPERGLYCINEMIA; GLYCINEMIA, KETOTIC; HYPERGLYCINEMIA WITH KETOACIDOSIS AND LEUKOPENIA. Identifiers: Orphanet 35, MedGen C0268579, MONDO:0011628, OMIM 606054, HP:0003571.

Allele frequency attached by ClinVar (database versions not stated): gnomAD exomes below 0.00001; TOPMed below 0.00001; gnomAD 0.00001.
gnomAD v4.1: 4 of 1,609,220 alleles (0.00025%); highest among the groups gnomAD compares: Non-Finnish European, 0.00025%; no homozygotes.

Submission:

Labcorp Genetics (formerly Invitae), Labcorp
Classification: Uncertain significance for Propionic acidemia. Last evaluated: 2022-04-24. Review status: criteria provided, single submitter. Criteria: Invitae Variant Classification Sherloc (09022015). Collection method: clinical testing. Allele origin: germline.
Comment: This sequence change replaces valine, which is neutral and non-polar, with methionine, which is neutral and non-polar, at codon 431 of the PCCA protein (p.Val431Met). This variant is present in population databases (no rsID available, gnomAD 0.007%). This variant has not been reported in the literature in individuals affected with PCCA-related conditions. Algorithms developed to predict the effect of missense changes on protein structure and function are either unavailable or do not agree on the potential impact of this missense change (SIFT: "Deleterious"; PolyPhen-2: "Benign"; Align-GVGD: "Class C0"). In summary, the available evidence is currently insufficient to determine the role of this variant in disease. Therefore, it has been classified as a Variant of Uncertain Significance.